The following is an entry in ClinVar:

ClinVar aggregate classification (germline): Uncertain significance (1 of 4 stars; one submission).

gnomAD v4.1: 2 of 1,613,776 alleles (0.00012%); highest among the groups gnomAD compares: African/African-American, 0.0027%; no homozygotes.

Submission:

Labcorp Genetics (formerly Invitae), Labcorp
Classification: Uncertain significance. Last evaluated: 2025-08-12. Review status: criteria provided, single submitter. Criteria: Invitae Variant Classification Sherloc (09022015). Collection method: clinical testing. Allele origin: germline.
Comment: This sequence change replaces proline, which is neutral and non-polar, with serine, which is neutral and polar, at codon 1763 of the ZDBF2 protein (p.Pro1763Ser). This variant is not present in population databases (gnomAD no frequency). This variant has not been reported in the literature in individuals affected with ZDBF2-related conditions. An algorithm developed to predict the effect of missense changes on protein structure and function outputs the following: PolyPhen-2: "Possibly Damaging". The serine amino acid residue is found in multiple mammalian species, which suggests that this missense change does not adversely affect protein function. In summary, the available evidence is currently insufficient to determine the role of this variant in disease. Therefore, it has been classified as a Variant of Uncertain Significance.

NM_020923.3(ZDBF2):c.5287C>T (p.Pro1763Ser)

Gene: ZDBF2 (zinc finger DBF-type containing 2; plus strand). Cytogenetic location: 2q33.3.
Variant type: single nucleotide variant.
Coding change: c.5287C>T on transcript NM_020923.3 (MANE Select); coding-DNA position 5287, C replaced by T.
Protein change: p.Pro1763Ser; replaces proline 1763 with serine.
Molecular consequence: missense variant.
Genome position (GRCh38, 1-based): chr2:206,309,815, C>T. VCF-style: chr2-206309815-C-T. GRCh37 (hg19) VCF-style: chr2-207174539-C-T.
Other names: c.5281C>T, p.Pro1761Ser (NM_001285549.2); c.5287C>T, p.Pro1763Ser (NM_001369654.1); short protein forms P1763S, P1761S.
Identifiers: ClinVar variation 4725337 (VCV004725337.1).